The following is an entry in ClinVar:

NM_000548.5(TSC2):c.1112A>G (p.Gln371Arg)

Gene: TSC2 (TSC complex subunit 2; plus strand). Cytogenetic location: 16p13.3.
Variant type: single nucleotide variant.
Coding change: c.1112A>G on transcript NM_000548.5 (MANE Select); coding-DNA position 1112, A replaced by G.
Protein change: p.Gln371Arg; replaces glutamine 371 with arginine.
Molecular consequence: missense variant.
Genome position (GRCh38, 1-based): chr16:2,060,806, A>G. VCF-style: chr16-2060806-A-G. GRCh37 (hg19) VCF-style: chr16-2110807-A-G.
Other names: c.1112A>G, p.Gln371Arg (NM_021055.3, NM_001077183.3, NM_001114382.3 and 3 more transcripts); c.1001A>G, p.Gln334Arg (NM_001318827.2); c.965A>G, p.Gln322Arg (NM_001318829.2); c.512A>G, p.Gln171Arg (NM_001318831.2); c.1145A>G, p.Gln382Arg (NM_001318832.2); short protein forms Q371R, Q171R, Q322R, Q382R, Q334R.
Identifiers: ClinVar variation 453076 (VCV000453076.6), dbSNP rs1555500581, ClinGen allele CA394318377.

ClinVar aggregate classification (germline): Conflicting classifications of pathogenicity. Review status: criteria provided, conflicting classifications (1 of 4 stars). 3 submissions from 3 submitters: Uncertain significance (2); Likely benign (1). Last evaluated 2023-06-23.

Conditions:
Hereditary cancer-predisposing syndrome. Also called: Tumor predisposition; Hereditary Cancer Syndrome; Neoplastic Syndromes, Hereditary; Hereditary neoplastic syndrome. Identifiers: Orphanet 140162, MedGen C0027672, MeSH D009386, MONDO:0015356.
Tuberous sclerosis 2 (TSC2). Identifiers: Orphanet 805, MedGen C1860707, MONDO:0013199, OMIM 613254.

Submissions (3):

Labcorp Genetics (formerly Invitae), Labcorp
Classification: Uncertain significance for Tuberous sclerosis 2. Last evaluated: 2023-06-23. Review status: criteria provided, single submitter. Criteria: Invitae Variant Classification Sherloc (09022015). Collection method: clinical testing. Allele origin: germline.
Comment: This variant is not present in population databases (gnomAD no frequency). This sequence change replaces glutamine, which is neutral and polar, with arginine, which is basic and polar, at codon 371 of the TSC2 protein (p.Gln371Arg). This variant has not been reported in the literature in individuals affected with TSC2-related conditions. ClinVar contains an entry for this variant (Variation ID: 453076). Advanced modeling of protein sequence and biophysical properties (such as structural, functional, and spatial information, amino acid conservation, physicochemical variation, residue mobility, and thermodynamic stability) performed at Invitae indicates that this missense variant is not expected to disrupt TSC2 protein function. In summary, the available evidence is currently insufficient to determine the role of this variant in disease. Therefore, it has been classified as a Variant of Uncertain Significance.

Ambry Genetics
Classification: Uncertain significance for Hereditary cancer-predisposing syndrome. Last evaluated: 2022-07-04. Review status: criteria provided, single submitter. Criteria: Ambry Variant Classification Scheme 2023. Collection method: clinical testing. Allele origin: germline.
Comment: The p.Q371R variant (also known as c.1112A>G), located in coding exon 10 of the TSC2 gene, results from an A to G substitution at nucleotide position 1112. The glutamine at codon 371 is replaced by arginine, an amino acid with highly similar properties. This amino acid position is conserved. In addition, this alteration is predicted to be deleterious by in silico analysis. Since supporting evidence is limited at this time, the clinical significance of this alteration remains unclear.

GeneDx
Classification: Likely benign. Last evaluated: 2017-12-21. Review status: criteria provided, single submitter. Criteria: GeneDx Variant Classification (06012015). Collection method: clinical testing. Allele origin: germline. Affected: yes.
Comment: This variant is considered likely benign or benign based on one or more of the following criteria: it is a conservative change, it occurs at a poorly conserved position in the protein, it is predicted to be benign by multiple in silico algorithms, and/or has population frequency not consistent with disease.